The following is an entry in ClinVar:

NM_002519.3(NPAT):c.1759C>T (p.Pro587Ser)

Gene: NPAT (nuclear protein, coactivator of histone transcription; minus strand). Cytogenetic location: 11q22.3.
Variant type: single nucleotide variant.
Coding change: c.1759C>T on transcript NM_002519.3 (MANE Select); coding-DNA position 1759, C replaced by T.
Protein change: p.Pro587Ser; replaces proline 587 with serine.
Molecular consequence: missense variant.
Genome position (GRCh38, 1-based): chr11:108,173,225, G>A on the plus strand (C>T on the coding strand, the complement: NPAT is on the minus strand). VCF-style: chr11-108173225-G-A. GRCh37 (hg19) VCF-style: chr11-108043952-G-A.
Other names: c.1759C>T, p.Pro587Ser (NM_001321307.1); short protein forms P587S.
Identifiers: ClinVar variation 1779531 (VCV001779531.3), dbSNP rs1191819600, ClinGen allele CA382514416.
Genomic context (GRCh38, chr11:108,173,225, plus strand): 5'-GTAGTATTTCACTTTGAAGACAAGAATTATCTTGGCAATTTGATAGCTGTGACATAACTG[G>A]TTCTAACACATTAATTTCTATTTTACTCTTGTGAACTTCACTAGAATCTGATGACTTGGA-3'
Protein context (NP_002510.2, residues 577-597): KSKIEINVLE[Pro587Ser]VMSQLSNCQD

ClinVar aggregate classification (germline): Uncertain significance. Review status: criteria provided, multiple submitters, no conflicts (2 of 4 stars). 2 submissions from 2 submitters: Uncertain significance (2). Last evaluated 2026-01-27.

Allele frequency attached by ClinVar (database versions not stated): TOPMed below 0.00001; gnomAD exomes below 0.00001.

Submissions (2):

Labcorp Genetics (formerly Invitae), Labcorp
Classification: Uncertain significance. Last evaluated: 2026-01-27. Review status: criteria provided, single submitter. Criteria: Invitae Variant Classification Sherloc (09022015). Collection method: clinical testing. Allele origin: germline.
Comment: This sequence change replaces proline, which is neutral and non-polar, with serine, which is neutral and polar, at codon 587 of the NPAT protein (p.Pro587Ser). This variant is present in population databases (no rsID available, gnomAD 0.007%). This variant has not been reported in the literature in individuals affected with NPAT-related conditions. ClinVar contains an entry for this variant (Variation ID: 1779531). An algorithm developed to predict the effect of missense changes on protein structure and function outputs the following: PolyPhen-2: "Benign". The serine amino acid residue is found in multiple mammalian species, which suggests that this missense change does not adversely affect protein function. In summary, the available evidence is currently insufficient to determine the role of this variant in disease. Therefore, it has been classified as a Variant of Uncertain Significance.

Ambry Genetics
Classification: Uncertain significance. Last evaluated: 2024-03-08. Review status: criteria provided, single submitter. Criteria: Ambry Variant Classification Scheme 2023. Collection method: clinical testing. Allele origin: germline.
Comment: The p.P587S variant (also known as c.1759C>T), located in coding exon 13 of the NPAT gene, results from a C to T substitution at nucleotide position 1759. The proline at codon 587 is replaced by serine, an amino acid with similar properties. This amino acid position is conserved. In addition, this alteration is predicted to be tolerated by in silico analysis. Since supporting evidence is limited at this time, the clinical significance of this alteration remains unclear.